The following is an entry in ClinVar:

NM_005751.5(AKAP9):c.6507+6G>T

Gene: AKAP9 (A-kinase anchoring protein 9; plus strand). Cytogenetic location: 7q21.2.
Variant type: single nucleotide variant.
Coding change: c.6507+6G>T on transcript NM_005751.5 (MANE Select); 6 bases into the intron after coding-DNA position 6507, G replaced by T.
Molecular consequence: intron variant.
Genome position (GRCh38, 1-based): chr7:92,070,212, G>T. VCF-style: chr7-92070212-G-T. GRCh37 (hg19) VCF-style: chr7-91699526-G-T.
Other names: c.6483+30G>T (NM_147185.3); c.1152+6G>T (NM_001379277.1).
Identifiers: ClinVar variation 1043751 (VCV001043751.6), dbSNP rs140872685, ClinGen allele CA4337088.
Genomic context (GRCh38, chr7:92,070,212, plus strand): 5'-CAGAGTAAGAGAACTGGAGCAGGCGCTTCTTGTGAGTGCAGATACTTTTCAAAAGGTGTG[G>T]CATTTTATTTGGGCTAACTTAATAAGTGTTTTAATGAAGAATACTCTTAAATTGTCAACT-3'

ClinVar aggregate classification (germline): Uncertain significance (1 of 4 stars; one submission).

Conditions:
Long QT syndrome (LQTS). Identifiers: MedGen C0023976, MeSH D008133, MONDO:0002442. Disease mechanism: loss of function. Inheritance: Various modes of inheritance.

Allele frequency attached by ClinVar (database versions not stated): ExAC 0.00001; gnomAD 0.00001.
gnomAD v4.1: 5 of 1,613,634 alleles (0.00031%); highest among the groups gnomAD compares: Non-Finnish European, 0.00042%; no homozygotes.

Submission:

Labcorp Genetics (formerly Invitae), Labcorp
Classification: Uncertain significance for Long QT syndrome. Last evaluated: 2022-06-20. Review status: criteria provided, single submitter. Criteria: Invitae Variant Classification Sherloc (09022015). Collection method: clinical testing. Allele origin: germline.
Comment: This sequence change falls in intron 27 of the AKAP9 gene. It does not directly change the encoded amino acid sequence of the AKAP9 protein. It affects a nucleotide within the consensus splice site. In summary, the available evidence is currently insufficient to determine the role of this variant in disease. Therefore, it has been classified as a Variant of Uncertain Significance. Variants that disrupt the consensus splice site are a relatively common cause of aberrant splicing (PMID: 17576681, 9536098). Algorithms developed to predict the effect of sequence changes on RNA splicing suggest that this variant may disrupt the consensus splice site. ClinVar contains an entry for this variant (Variation ID: 1043751). This variant has not been reported in the literature in individuals affected with AKAP9-related conditions. This variant is present in population databases (rs140872685, gnomAD 0.0009%).

Literature cited by the submitters: PubMed 17576681; PubMed 9536098.